The following is an entry in ClinVar:

NM_001378454.1(ALMS1):c.73G>T (p.Glu25Ter)

Gene: ALMS1 (ALMS1 centrosome and basal body associated protein; plus strand). Cytogenetic location: 2p13.1.
Variant type: single nucleotide variant.
Coding change: c.73G>T on transcript NM_001378454.1 (MANE Select); coding-DNA position 73, G replaced by T.
Protein change: p.Glu25Ter; replaces glutamic acid 25 with a stop codon.
Molecular consequence: nonsense.
Genome position (GRCh38, 1-based): chr2:73,385,941, G>T. VCF-style: chr2-73385941-G-T. GRCh37 (hg19) VCF-style: chr2-73613069-G-T.
Other names: c.76G>T, p.Glu26Ter (NM_015120.4); short protein forms E25*, E26*.
Identifiers: ClinVar variation 1426074 (VCV001426074.6), dbSNP rs1285425883, ClinGen allele CA347250547.

ClinVar aggregate classification (germline): Pathogenic (1 of 4 stars; one submission).

Conditions:
Alstrom syndrome (ALMS). Identifiers: Orphanet 64, MedGen C0268425, MONDO:0008763, OMIM 203800.

Submission:

Labcorp Genetics (formerly Invitae), Labcorp
Classification: Pathogenic for Alstrom syndrome. Last evaluated: 2021-03-23. Review status: criteria provided, single submitter. Criteria: Invitae Variant Classification Sherloc (09022015). Collection method: clinical testing. Allele origin: germline.
Comment: This sequence change creates a premature translational stop signal (p.Glu26*) in the ALMS1 gene. It is expected to result in an absent or disrupted protein product. Loss-of-function variants in ALMS1 are known to be pathogenic (PMID: 17594715). The frequency data for this variant in the population databases is considered unreliable, as metrics indicate insufficient coverage at this position in the ExAC database. This variant has not been reported in the literature in individuals with ALMS1-related conditions. For these reasons, this variant has been classified as Pathogenic.

Literature cited by the submitters: PubMed 17594715.